The following is an entry in ClinVar:

NM_006922.4(SCN3A):c.3386G>T (p.Ser1129Ile)

Gene: SCN3A (sodium voltage-gated channel alpha subunit 3; minus strand). Cytogenetic location: 2q24.3.
Variant type: single nucleotide variant.
Coding change: c.3386G>T on transcript NM_006922.4 (MANE Select); coding-DNA position 3386, G replaced by T.
Protein change: p.Ser1129Ile; replaces serine 1129 with isoleucine.
Molecular consequence: missense variant.
Genome position (GRCh38, 1-based): chr2:165,127,638, C>A on the plus strand (G>T on the coding strand, the complement: SCN3A is on the minus strand). VCF-style: chr2-165127638-C-A. GRCh37 (hg19) VCF-style: chr2-165984148-C-A.
Other names: c.3239G>T, p.Ser1080Ile (NM_001081676.2, NM_001081677.2); short protein forms S1129I, S1080I.
Identifiers: ClinVar variation 3011464 (VCV003011464.3), dbSNP rs2468232249, ClinGen allele CA349039715.

ClinVar aggregate classification (germline): Uncertain significance (1 of 4 stars; one submission).

Submission:

Labcorp Genetics (formerly Invitae), Labcorp
Classification: Uncertain significance. Last evaluated: 2023-11-13. Review status: criteria provided, single submitter. Criteria: Invitae Variant Classification Sherloc (09022015). Collection method: clinical testing. Allele origin: germline.
Comment: This sequence change replaces serine, which is neutral and polar, with isoleucine, which is neutral and non-polar, at codon 1129 of the SCN3A protein (p.Ser1129Ile). This variant is not present in population databases (gnomAD no frequency). This variant has not been reported in the literature in individuals affected with SCN3A-related conditions. Advanced modeling of protein sequence and biophysical properties (such as structural, functional, and spatial information, amino acid conservation, physicochemical variation, residue mobility, and thermodynamic stability) performed at Invitae indicates that this missense variant is not expected to disrupt SCN3A protein function with a negative predictive value of 95%. In summary, the available evidence is currently insufficient to determine the role of this variant in disease. Therefore, it has been classified as a Variant of Uncertain Significance.